The following is an entry in ClinVar:

ClinVar aggregate classification (germline): Likely benign. Review status: criteria provided, multiple submitters, no conflicts (2 of 4 stars). 9 submissions from 9 submitters: Likely benign (7). 2 of the submissions do not count toward it. Last evaluated 2026-03-09.

Conditions:
Hereditary cancer-predisposing syndrome. Also called: Neoplastic Syndromes, Hereditary; Tumor predisposition; Hereditary Cancer Syndrome; Hereditary neoplastic syndrome. Identifiers: Orphanet 140162, MedGen C0027672, MeSH D009386, MONDO:0015356.
Familial prostate cancer. Also called: Hereditary Prostate Cancer. Identifiers: MedGen C2931456, MONDO:0700275, OMIM 176807.
Hereditary breast ovarian cancer syndrome. Also called: Breast and ovarian cancer; Hereditary breast and ovarian cancer; Hereditary breast and ovarian cancer syndrome (HBOC); Hereditary breast and ovarian cancer syndrome; BRCA1- and BRCA2-Associated Hereditary Breast and Ovarian Cancer; Hereditary breast and/or ovarian cancer syndrome. Identifiers: Orphanet 145, MedGen C0677776, MeSH D061325, MONDO:0003582. Disease mechanism: loss of function.
Breast-ovarian cancer, familial, susceptibility to, 2 (BROVCA2). Also called: BRCA2 Hereditary Breast and Ovarian Cancer. Identifiers: Orphanet 145, MedGen C2675520, MONDO:0012933, OMIM 612555. Disease mechanism: loss of function.

Allele frequency attached by ClinVar (database versions not stated): gnomAD exomes below 0.00001; ExAC 0.00001; ESP Exome Variant Server 0.00008.
gnomAD v4.1: 3 of 1,613,096 alleles (0.00019%); highest among the groups gnomAD compares: Non-Finnish European, 0.00025%; no homozygotes.

Submissions (9):

Institute for Biomarker Research, Medical Diagnostic Laboratories, L.L.C.
Classification: Likely benign for Hereditary breast ovarian cancer syndrome. Last evaluated: 2026-03-09. Review status: criteria provided, single submitter. Criteria: ACMG Guidelines, 2015. Collection method: clinical testing. Allele origin: germline.
Comment: The intron variant NM_000059.3(BRCA2):c.9117+9C>T has been reported to ClinVar as Likely benign with a status of (2 stars) criteria provided, multiple submitters, no conflicts (Accession: VCV000052757.21). The c.9117+9C>T variant is observed in 3/1,179,388 (0.0003%) alleles from individuals of gnomAD v4 EuropeanNonFinnish background in gnomAD v4. The c.9117+9C>T variant is not predicted to disrupt the existing donor splice site 7bp upstream by any splice site algorithm. The c.9117+9C>T variant results in a substitution of a base that is not predicted conserved by GERP++ and PhyloP. For these reasons, this variant has been classified as Likely Benign.

Women's Health and Genetics/Laboratory Corporation of America, LabCorp
Classification: Likely benign. Last evaluated: 2026-01-29. Review status: criteria provided, single submitter. Criteria: LabCorp Variant Classification Summary - May 2015. Collection method: clinical testing. Allele origin: germline.
Comment: Variant summary: BRCA2 c.9117+9C>T alters a nucleotide located at a position not widely known to affect splicing. Consensus agreement among computation tools predict no significant impact on normal splicing. However, these predictions have yet to be confirmed by functional studies. The variant allele was found at a frequency of 4e-06 in 248092 control chromosomes. The available data on variant occurrences in the general population are insufficient to allow any conclusion about variant significance. To our knowledge, no occurrence of c.9117+9C>T in individuals affected with BRCA2-related conditions and no experimental evidence demonstrating its impact on protein function have been reported in the literature. A co-occurrence with a pathogenic variant has been reported in the BIC database (BRCA1 c.66_67delAG, p.Leu22_Glu23LeuValfs), providing supporting evidence for a benign role. ClinVar contains an entry for this variant (Variation ID: 52757). Based on the evidence outlined above, the variant was classified as likely benign.

Labcorp Genetics (formerly Invitae), Labcorp
Classification: Likely benign for Hereditary breast ovarian cancer syndrome. Last evaluated: 2025-11-03. Review status: criteria provided, single submitter. Criteria: Invitae Variant Classification Sherloc (09022015). Collection method: clinical testing. Allele origin: germline.

Blueprint Genetics
Classification: Likely benign. Last evaluated: 2023-08-11. Review status: criteria provided, single submitter. Criteria: ACMG Guidelines, 2015. Collection method: clinical testing. Allele origin: germline.

Department of Pathology and Laboratory Medicine, Sinai Health System
Classification: Likely benign for Familial prostate cancer. Last evaluated: 2022-01-11. Review status: criteria provided, single submitter. Criteria: ACMG Guidelines, 2015. Collection method: clinical testing. Allele origin: germline. Affected: yes.

Color Diagnostics, LLC DBA Color Health
Classification: Likely benign for Hereditary cancer-predisposing syndrome. Last evaluated: 2018-06-13. Review status: criteria provided, single submitter. Criteria: ACMG Guidelines, 2015. Collection method: clinical testing. Allele origin: germline.

Quest Diagnostics Nichols Institute San Juan Capistrano
Classification: Likely benign. Last evaluated: 2017-02-08. Review status: criteria provided, single submitter. Criteria: Quest Diagnostics criteria. Collection method: clinical testing. Allele origin: germline.

Counsyl
Classification: Likely benign for Breast-ovarian cancer, familial, susceptibility to, 2. Last evaluated: 2016-01-27. Review status: no assertion criteria provided. Collection method: clinical testing. Allele origin: unknown. Not counted in ClinVar's aggregate classification.

Breast Cancer Information Core (BIC) (BRCA2)
Classification: Uncertain significance for Breast-ovarian cancer, familial 2. Last evaluated: 2004-02-20. Review status: no assertion criteria provided. Collection method: clinical testing. Allele origin: germline. Affected: yes. Observed: 4 variant alleles. Not counted in ClinVar's aggregate classification.

Literature cited by the submitters: PubMed 18824701 (cited by Quest Diagnostics Nichols Institute San Juan Capistrano and Counsyl); PubMed 23893897 (cited by Counsyl).

NM_000059.4(BRCA2):c.9117+9C>T

Gene: BRCA2 (BRCA2 DNA repair associated; plus strand). Cytogenetic location: 13q13.1.
Variant type: single nucleotide variant.
Coding change: c.9117+9C>T on transcript NM_000059.4 (MANE Select); 9 bases into the intron after coding-DNA position 9117, C replaced by T.
Molecular consequence: intron variant.
Genome position (GRCh38, 1-based): chr13:32,379,922, C>T. VCF-style: chr13-32379922-C-T. GRCh37 (hg19) VCF-style: chr13-32954059-C-T.
Other names: IVS23+9C>T.
Identifiers: ClinVar variation 52757 (VCV000052757.24), dbSNP rs81002869, ClinGen allele CA025993.
Genomic context (GRCh38, chr13:32,379,922, plus strand): 5'-AGCTAACATACAGTTAGCAGCGACAAAAAAAACTCAGTATCAACAACTACCGGTACAAAC[C>T]TTTCATTGTAATTTTTCAGTTTTGATAAGTGCTTGTTAGTTTATGGAATCTCCATATGTT-3'